The following is an entry in ClinVar:

NM_001286.5(CLCN6):c.1189G>A (p.Gly397Arg)

Gene: CLCN6 (Cl-/H+ antiporter 6; plus strand). Cytogenetic location: 1p36.22.
Variant type: single nucleotide variant.
Coding change: c.1189G>A on transcript NM_001286.5 (MANE Select); coding-DNA position 1189, G replaced by A.
Protein change: p.Gly397Arg; replaces glycine 397 with arginine.
Molecular consequence: missense variant. On other transcripts: non-coding transcript variant (1).
Genome position (GRCh38, 1-based): chr1:11,829,263, G>A. VCF-style: chr1-11829263-G-A. GRCh37 (hg19) VCF-style: chr1-11889320-G-A.
Other names: c.1189G>A (NM_001286.2); c.1123G>A, p.Gly375Arg (NM_001256959.2); short protein forms G375R, G397R.
Identifiers: ClinVar variation 2161990 (VCV002161990.5), dbSNP rs1644851467, ClinGen allele CA338431919.

ClinVar aggregate classification (germline): Uncertain significance. Review status: criteria provided, multiple submitters, no conflicts (2 of 4 stars). 2 submissions from 2 submitters: Uncertain significance (2). Last evaluated 2026-02-23.

Allele frequency attached by ClinVar (database versions not stated): TOPMed below 0.00001; gnomAD exomes 0.00001.
gnomAD v4.1: 18 of 1,614,188 alleles (0.0011%); highest among the groups gnomAD compares: Non-Finnish European, 0.0015%; no homozygotes.

Submissions (2):

Ambry Genetics
Classification: Uncertain significance. Last evaluated: 2026-02-23. Review status: criteria provided, single submitter. Criteria: Ambry Variant Classification Scheme 2023. Collection method: clinical testing. Allele origin: germline.

Labcorp Genetics (formerly Invitae), Labcorp
Classification: Uncertain significance. Last evaluated: 2025-09-03. Review status: criteria provided, single submitter. Criteria: Invitae Variant Classification Sherloc (09022015). Collection method: clinical testing. Allele origin: germline.
Comment: This sequence change replaces glycine, which is neutral and non-polar, with arginine, which is basic and polar, at codon 397 of the CLCN6 protein (p.Gly397Arg). This variant is not present in population databases (gnomAD no frequency). This variant has not been reported in the literature in individuals affected with CLCN6-related conditions. ClinVar contains an entry for this variant (Variation ID: 2161990). An algorithm developed to predict the effect of missense changes on protein structure and function (PolyPhen-2) suggests that this variant is likely to be disruptive. In summary, the available evidence is currently insufficient to determine the role of this variant in disease. Therefore, it has been classified as a Variant of Uncertain Significance.